The following is an entry in ClinVar:

NM_021098.3(CACNA1H):c.263G>A (p.Arg88Gln)

Gene: CACNA1H (calcium voltage-gated channel subunit alpha1 H; plus strand). Cytogenetic location: 16p13.3.
Variant type: single nucleotide variant.
Coding change: c.263G>A on transcript NM_021098.3 (MANE Select); coding-DNA position 263, G replaced by A.
Protein change: p.Arg88Gln; replaces arginine 88 with glutamine.
Molecular consequence: missense variant.
Genome position (GRCh38, 1-based): chr16:1,154,000, G>A. VCF-style: chr16-1154000-G-A. GRCh37 (hg19) VCF-style: chr16-1204000-G-A.
Other names: c.263G>A, p.Arg88Gln (NM_001005407.2); short protein forms R88Q.
Identifiers: ClinVar variation 1482004 (VCV001482004.6), dbSNP rs1375491341, ClinGen allele CA394145964.

ClinVar aggregate classification (germline): Uncertain significance (1 of 4 stars; one submission).

Conditions:
Idiopathic generalized epilepsy. Also called: Generalised epilepsy; EIG. Identifiers: MedGen C0270850, MONDO:0005579, OMIM 600669.
Hyperaldosteronism, familial, type IV (HALD4). Also called: FH IV; ALDOSTERONISM, PRIMARY, AND HYPERTENSION. Identifiers: Orphanet 642671, MedGen C4310756, MONDO:0014875, OMIM 617027.

Submission:

Labcorp Genetics (formerly Invitae), Labcorp
Classification: Uncertain significance for Idiopathic generalized epilepsy; Hyperaldosteronism, familial, type IV. Last evaluated: 2022-08-09. Review status: criteria provided, single submitter. Criteria: Invitae Variant Classification Sherloc (09022015). Collection method: clinical testing. Allele origin: germline.
Comment: In summary, the available evidence is currently insufficient to determine the role of this variant in disease. Therefore, it has been classified as a Variant of Uncertain Significance. Advanced modeling of protein sequence and biophysical properties (such as structural, functional, and spatial information, amino acid conservation, physicochemical variation, residue mobility, and thermodynamic stability) performed at Invitae indicates that this missense variant is not expected to disrupt CACNA1H protein function. ClinVar contains an entry for this variant (Variation ID: 1482004). This variant has not been reported in the literature in individuals affected with CACNA1H-related conditions. This variant is not present in population databases (gnomAD no frequency). This sequence change replaces arginine, which is basic and polar, with glutamine, which is neutral and polar, at codon 88 of the CACNA1H protein (p.Arg88Gln).